The following is an entry in ClinVar:

NM_001378120.1(MBD5):c.1010C>A (p.Pro337His)

Gene: MBD5 (methyl-CpG binding domain protein 5; plus strand). Cytogenetic location: 2q23.1.
Variant type: single nucleotide variant.
Coding change: c.1010C>A on transcript NM_001378120.1 (MANE Select); coding-DNA position 1010, C replaced by A.
Protein change: p.Pro337His; replaces proline 337 with histidine.
Molecular consequence: missense variant.
Genome position (GRCh38, 1-based): chr2:148,468,953, C>A. VCF-style: chr2-148468953-C-A. GRCh37 (hg19) VCF-style: chr2-149226522-C-A.
Other names: c.1010C>A, p.Pro337His (NM_018328.5); short protein forms P337H.
Identifiers: ClinVar variation 2812415 (VCV002812415.3), dbSNP rs2469860056, ClinGen allele CA348718187.

ClinVar aggregate classification (germline): Uncertain significance (1 of 4 stars; one submission).

Conditions:
Intellectual developmental disorder, autosomal dominant 1. Also called: MBD5 Haploinsufficiency; Intellectual disability, autosomal dominant 1. Identifiers: Orphanet 228402, MedGen C1969562, MONDO:0007974, OMIM 156200.

Submission:

Labcorp Genetics (formerly Invitae), Labcorp
Classification: Uncertain significance for Intellectual developmental disorder, autosomal dominant 1. Last evaluated: 2023-01-03. Review status: criteria provided, single submitter. Criteria: Invitae Variant Classification Sherloc (09022015). Collection method: clinical testing. Allele origin: germline.
Comment: In summary, the available evidence is currently insufficient to determine the role of this variant in disease. Therefore, it has been classified as a Variant of Uncertain Significance. Advanced modeling of protein sequence and biophysical properties (such as structural, functional, and spatial information, amino acid conservation, physicochemical variation, residue mobility, and thermodynamic stability) performed at Invitae indicates that this missense variant is not expected to disrupt MBD5 protein function. This variant has not been reported in the literature in individuals affected with MBD5-related conditions. This variant is not present in population databases (gnomAD no frequency). This sequence change replaces proline, which is neutral and non-polar, with histidine, which is basic and polar, at codon 337 of the MBD5 protein (p.Pro337His).